The following is an entry in ClinVar:

ClinVar aggregate classification (germline): Likely benign (0 of 4 stars; one submission).

Conditions:
TRPC5-related disorder. Also called: TRPC5-related condition.

gnomAD v4.1: 13 of 1,209,623 alleles (0.0011%); highest among the groups gnomAD compares: African/African-American, 0.019%; no homozygotes.

Submission:

PreventionGenetics, part of Exact Sciences
Classification: Likely benign for TRPC5-related condition. Last evaluated: 2024-05-13. Review status: no assertion criteria provided. Collection method: clinical testing. Allele origin: germline.
Comment: This variant is classified as likely benign based on ACMG/AMP sequence variant interpretation guidelines (Richards et al. 2015 PMID: 25741868, with internal and published modifications).

NM_012471.3(TRPC5):c.783C>T (p.Ser261=)

Gene: TRPC5 (transient receptor potential cation channel subfamily C member 5; minus strand). Cytogenetic location: Xq23.
Variant type: single nucleotide variant.
Coding change: c.783C>T on transcript NM_012471.3 (MANE Select); coding-DNA position 783, C replaced by T.
Protein change: p.Ser261=; no amino-acid change (serine 261 retained).
Molecular consequence: synonymous variant.
Genome position (GRCh38, 1-based): chrX:111,912,408, G>A on the plus strand (C>T on the coding strand, the complement: TRPC5 is on the minus strand). VCF-style: chrX-111912408-G-A. GRCh37 (hg19) VCF-style: chrX-111155636-G-A.
Identifiers: ClinVar variation 3358597 (VCV003358597.1).
Genomic context (GRCh38, chrX:111,912,408, plus strand): 5'-AGGGTCAAGCTCTTCACTGTGGTCATCTCGATGGTTGAGGATGATCTCCAGTTCCCTGGA[G>A]CTCCGAGCTTGGTCCAGCAGGTCTTTGGCAAAGAGCTTGCACTGCTGAGAGAGCTCCTCA-3'
Protein context (NP_036603.1, residues 251-271): FAKDLLDQAR[Ser261=]SRELEIILNH